The following is an entry in ClinVar:

ClinVar aggregate classification (germline): Uncertain significance (1 of 4 stars; one submission).

Conditions:
Creatine transporter deficiency (CCDS1). Also called: CEREBRAL CREATINE DEFICIENCY SYNDROME 1; Mental retardation , X-linked with seizures, short stature and midface hypoplasia; Mental retardation , X-linked, with creatine transport deficiency; X-linked creatine transporter deficiency; X-linked creatine deficiency syndrome; SLC6A8-Related Creatine Transporter Deficiency. Identifiers: Orphanet 52503, MedGen C1845862, MONDO:0010305, OMIM 300352.

Allele frequency attached by ClinVar (database versions not stated): gnomAD exomes below 0.00001; TOPMed 0.00001; gnomAD 0.00002.
gnomAD v4.1: 4 of 1,042,912 alleles (0.00038%); highest among the groups gnomAD compares: Non-Finnish European, 0.0005%; no homozygotes.

Submission:

Labcorp Genetics (formerly Invitae), Labcorp
Classification: Uncertain significance for Creatine transporter deficiency. Last evaluated: 2024-01-03. Review status: criteria provided, single submitter. Criteria: Invitae Variant Classification Sherloc (09022015). Collection method: clinical testing. Allele origin: germline.
Comment: This sequence change replaces lysine, which is basic and polar, with asparagine, which is neutral and polar, at codon 4 of the SLC6A8 protein (p.Lys4Asn). This variant is not present in population databases (gnomAD no frequency). This variant has not been reported in the literature in individuals affected with SLC6A8-related conditions. Advanced modeling of protein sequence and biophysical properties (such as structural, functional, and spatial information, amino acid conservation, physicochemical variation, residue mobility, and thermodynamic stability) performed at Invitae indicates that this missense variant is not expected to disrupt SLC6A8 protein function with a negative predictive value of 95%. In summary, the available evidence is currently insufficient to determine the role of this variant in disease. Therefore, it has been classified as a Variant of Uncertain Significance.

NM_005629.4(SLC6A8):c.12G>C (p.Lys4Asn)

Gene: SLC6A8 (solute carrier family 6 member 8; plus strand). Cytogenetic location: Xq28.
Variant type: single nucleotide variant.
Coding change: c.12G>C on transcript NM_005629.4 (MANE Select); coding-DNA position 12, G replaced by C.
Protein change: p.Lys4Asn; replaces lysine 4 with asparagine.
Molecular consequence: missense variant.
Genome position (GRCh38, 1-based): chrX:153,688,586, G>C. VCF-style: chrX-153688586-G-C. GRCh37 (hg19) VCF-style: chrX-152954041-G-C.
Other names: c.12G>C, p.Lys4Asn (NM_001142805.2); short protein forms K4N.
Identifiers: ClinVar variation 2716972 (VCV002716972.2), dbSNP rs1486125548, ClinGen allele CA415075867.
Genomic context (GRCh38, chrX:153,688,586, plus strand): 5'-CCCCGTGAGGCGCCGCGACCCCGGCCCGGCCGTGCGGCCCGCCGAGGCCATGGCGAAGAA[G>C]AGCGCCGAGAACGGCATCTATAGCGTGTCCGGCGACGAGAAGAAGGGCCCCCTCATCGCG-3'
Protein context (NP_005620.1, residues 1-14): MAK[Lys4Asn]SAENGIYSVS